The following is an entry in ClinVar:

ClinVar aggregate classification (germline): Uncertain significance (1 of 4 stars; one submission).

Submission:

Ambry Genetics
Classification: Uncertain significance. Last evaluated: 2026-06-20. Review status: criteria provided, single submitter. Criteria: Ambry Variant Classification Scheme 2023. Collection method: clinical testing. Allele origin: germline.
Comment: The p.V767G variant (also known as c.2300T>G), located in coding exon 15 of the RINT1 gene, results from a T to G substitution at nucleotide position 2300. The valine at codon 767 is replaced by glycine, an amino acid with dissimilar properties. This amino acid position is conserved. In addition, this alteration is predicted to be tolerated by in silico analysis. Based on the available evidence, the clinical significance of this variant remains unclear.

NM_021930.6(RINT1):c.2300T>G (p.Val767Gly)

Genes: EFCAB10 (EF-hand calcium binding domain 10; minus strand), RINT1 (RAD50 interactor 1; plus strand). Cytogenetic location: 7q22.3.
Variant type: single nucleotide variant.
Coding change: c.2300T>G on transcript NM_021930.6 (MANE Select); coding-DNA position 2300, T replaced by G.
Protein change: p.Val767Gly; replaces valine 767 with glycine.
Molecular consequence: missense variant. On other transcripts: intron variant (3), 3 prime UTR variant (2), non-coding transcript variant (1).
Genome position (GRCh38, 1-based): chr7:105,567,232, T>G. VCF-style: chr7-105567232-T-G. GRCh37 (hg19) VCF-style: chr7-105207679-T-G.
Other names: c.383+235A>C (NM_001355530.2, NM_001355526.2); c.*222A>C (NM_001355527.2, NM_001355529.2); c.2066T>G, p.Val689Gly (NM_001346599.2); c.1277T>G, p.Val426Gly (NM_001346600.2, NM_001346603.2); c.1376T>G, p.Val459Gly (NM_001346601.2); c.360-1785A>C (NM_001355531.2); short protein forms V426G, V459G, V689G, V767G.
Identifiers: ClinVar variation 5028263 (VCV005028263.1).
Genomic context (GRCh38, chr7:105,567,232, plus strand): 5'-TGAAAGATGTACTGCAGTCAGCTTCAGGGCAGCTTCCTGCCACAGCAGCATTAAATGAAG[T>G]TGGAATTTACAAACTGGCTCAACAAGATGTTGAGATTCTACTTAATTTGAGGACAAATTG-3'
Protein context (NP_068749.3, residues 757-777): QLPATAALNE[Val767Gly]GIYKLAQQDV